The following is an entry in ClinVar:

ClinVar aggregate classification (germline): Uncertain significance. Review status: criteria provided, multiple submitters, no conflicts (2 of 4 stars). 2 submissions from 2 submitters: Uncertain significance (2). Last evaluated 2025-12-17.

Conditions:
Inborn genetic diseases. Identifiers: MedGen C0950123, MeSH D030342.
Brachyolmia-amelogenesis imperfecta syndrome. Also called: Tooth agenesis, selective, 6; Dental anomalies and short stature; PLATYSPONDYLY WITH AMELOGENESIS IMPERFECTA. Identifiers: Orphanet 2899, MedGen C1832594, MONDO:0011018, OMIM 601216. Disease mechanism: loss of function.

Allele frequency attached by ClinVar (database versions not stated): gnomAD 0.00001 and 0.00002; ExAC 0.00005; gnomAD exomes 0.00006 and 0.00007; TOPMed 0.00007; ESP Exome Variant Server 0.00008.
gnomAD v4.1: 94 of 1,609,190 alleles (0.0058%); highest among the groups gnomAD compares: Non-Finnish European, 0.0075%; no homozygotes.

Submissions (2):

Labcorp Genetics (formerly Invitae), Labcorp
Classification: Uncertain significance for Brachyolmia-amelogenesis imperfecta syndrome. Last evaluated: 2025-12-17. Review status: criteria provided, single submitter. Criteria: Invitae Variant Classification Sherloc (09022015). Collection method: clinical testing. Allele origin: germline.
Comment: This sequence change replaces arginine, which is basic and polar, with tryptophan, which is neutral and slightly polar, at codon 81 of the LTBP3 protein (p.Arg81Trp). This variant is present in population databases (rs371878166, gnomAD 0.01%). This variant has not been reported in the literature in individuals affected with LTBP3-related conditions. ClinVar contains an entry for this variant (Variation ID: 1505123). An algorithm developed to predict the effect of missense changes on protein structure and function (PolyPhen-2) suggests that this variant is likely to be disruptive. In summary, the available evidence is currently insufficient to determine the role of this variant in disease. Therefore, it has been classified as a Variant of Uncertain Significance.

Ambry Genetics
Classification: Uncertain significance for Inborn genetic diseases. Last evaluated: 2023-02-16. Review status: criteria provided, single submitter. Criteria: Ambry Variant Classification Scheme 2023. Collection method: clinical testing. Allele origin: germline.
Comment: The p.R81W variant (also known as c.241C>T), located in coding exon 1 of the LTBP3 gene, results from a C to T substitution at nucleotide position 241. The arginine at codon 81 is replaced by tryptophan, an amino acid with dissimilar properties. This amino acid position is conserved. In addition, the in silico prediction for this alteration is inconclusive. Since supporting evidence is limited at this time, the clinical significance of this alteration remains unclear.

NM_001130144.3(LTBP3):c.241C>T (p.Arg81Trp)

Gene: LTBP3 (latent transforming growth factor beta binding protein 3; minus strand). Cytogenetic location: 11q13.1.
Variant type: single nucleotide variant.
Coding change: c.241C>T on transcript NM_001130144.3 (MANE Select); coding-DNA position 241, C replaced by T.
Protein change: p.Arg81Trp; replaces arginine 81 with tryptophan.
Molecular consequence: missense variant. On other transcripts: 5 prime UTR variant (1).
Genome position (GRCh38, 1-based): chr11:65,557,719, G>A on the plus strand (C>T on the coding strand, the complement: LTBP3 is on the minus strand). VCF-style: chr11-65557719-G-A. GRCh37 (hg19) VCF-style: chr11-65325190-G-A.
Other names: c.-107C>T (NM_001164266.1); c.241C>T, p.Arg81Trp (NM_021070.4); c.241C>T (NM_001130144.2); short protein forms R81W.
Identifiers: ClinVar variation 1505123 (VCV001505123.7), dbSNP rs371878166, ClinGen allele CA6101278.